The following is an entry in ClinVar:

NM_001354604.2(MITF):c.881-9C>T

Gene: MITF (melanocyte inducing transcription factor; plus strand). Cytogenetic location: 3p13.
Variant type: single nucleotide variant.
Coding change: c.881-9C>T on transcript NM_001354604.2 (MANE Select); 9 bases into the intron before coding-DNA position 881, C replaced by T.
Molecular consequence: intron variant.
Genome position (GRCh38, 1-based): chr3:69,951,803, C>T. VCF-style: chr3-69951803-C-T. GRCh37 (hg19) VCF-style: chr3-70000954-C-T.
Other names: c.830-27C>T (NM_001354607.2); c.725-27C>T (NM_001354608.2, NM_001184967.2); c.881-27C>T (NM_198159.3); c.878-9C>T (NM_001354605.2); c.878-27C>T (NM_001354606.2, NM_006722.3); c.833-27C>T (NM_198177.3); c.560-9C>T (NM_000248.4); c.560-27C>T (NM_198158.3); and 1 more.
Identifiers: ClinVar variation 1329623 (VCV001329623.7), dbSNP rs766938558, ClinGen allele CA2490502.

ClinVar aggregate classification (germline): Conflicting classifications of pathogenicity. Review status: criteria provided, conflicting classifications (1 of 4 stars). 2 submissions from 2 submitters: Uncertain significance (1); Likely benign (1). Last evaluated 2025-11-11.

Conditions:
Tietz syndrome (TADS). Also called: HYPOPIGMENTATION/DEAFNESS OF TIETZ; TIETZ ALBINISM-DEAFNESS SYNDROME; ALBINISM-DEAFNESS OF TIETZ. Identifiers: Orphanet 42665, MedGen C0391816, MONDO:0007077, OMIM 103500.
Waardenburg syndrome type 2A (WS2A). Also called: WAARDENBURG SYNDROME WITHOUT DYSTOPIA CANTHORUM. Identifiers: Orphanet 3440, MedGen C1860339, MONDO:0008671, OMIM 193510.
Melanoma, cutaneous malignant, susceptibility to, 8. Also called: MELANOMA AND RENAL CELL CARCINOMA, SUSCEPTIBILITY TO; Cutaneous malignant melanoma 8. Identifiers: Orphanet 293822, MedGen C3152204, MONDO:0013759, OMIM 614456.

gnomAD v4.1: 60 of 1,611,254 alleles (0.0037%); highest among the groups gnomAD compares: South Asian, 0.016%; no homozygotes.

Submissions (2):

Labcorp Genetics (formerly Invitae), Labcorp
Classification: Likely benign for Melanoma, cutaneous malignant, susceptibility to, 8; Waardenburg syndrome type 2A; Tietz syndrome. Last evaluated: 2025-11-11. Review status: criteria provided, single submitter. Criteria: Invitae Variant Classification Sherloc (09022015). Collection method: clinical testing. Allele origin: germline.

GeneDx
Classification: Uncertain significance. Last evaluated: 2025-06-11. Review status: criteria provided, single submitter. Criteria: GeneDx Variant Classification Process June 2021. Collection method: clinical testing. Allele origin: germline. Affected: yes.
Comment: In silico analysis suggests that this variant does not alter splicing; Has not been previously published as pathogenic or benign to our knowledge